The following is an entry in ClinVar:

NM_002691.4(POLD1):c.506A>C (p.Asn169Thr)

Gene: POLD1 (DNA polymerase delta 1, catalytic subunit; plus strand). Cytogenetic location: 19q13.33.
Variant type: single nucleotide variant.
Coding change: c.506A>C on transcript NM_002691.4 (MANE Select); coding-DNA position 506, A replaced by C.
Protein change: p.Asn169Thr; replaces asparagine 169 with threonine.
Molecular consequence: missense variant. On other transcripts: non-coding transcript variant (1).
Genome position (GRCh38, 1-based): chr19:50,402,041, A>C. VCF-style: chr19-50402041-A-C. GRCh37 (hg19) VCF-style: chr19-50905298-A-C.
Other names: c.506A>C, p.Asn169Thr (NM_001256849.1, NM_001308632.1); short protein forms N169T.
Identifiers: ClinVar variation 2448205 (VCV002448205.2), dbSNP rs781721165, ClinGen allele CA406973069.
Genomic context (GRCh38, chr19:50,402,041, plus strand): 5'-TCATCCCTCCCACACCAGGTTTCGGGCCCGAGCACATGGGTGACCTGCAACGGGAGCTGA[A>C]CTTGGCCATCAGCCGGGACAGTCGCGGGGGGAGGGAGCTGACTGGGCCGGCCGTGCTGGC-3'
Protein context (NP_002682.2, residues 159-179): EHMGDLQREL[Asn169Thr]LAISRDSRGG

ClinVar aggregate classification (germline): Uncertain significance (1 of 4 stars; one submission).

Conditions:
Hereditary cancer-predisposing syndrome. Also called: Neoplastic Syndromes, Hereditary; Hereditary Cancer Syndrome; Tumor predisposition; Hereditary neoplastic syndrome. Identifiers: Orphanet 140162, MedGen C0027672, MeSH D009386, MONDO:0015356.

Submission:

Ambry Genetics
Classification: Uncertain significance for Hereditary cancer-predisposing syndrome. Last evaluated: 2022-12-23. Review status: criteria provided, single submitter. Criteria: Ambry Variant Classification Scheme 2023. Collection method: clinical testing. Allele origin: germline.
Comment: The p.N169T variant (also known as c.506A>C), located in coding exon 4 of the POLD1 gene, results from an A to C substitution at nucleotide position 506. The asparagine at codon 169 is replaced by threonine, an amino acid with similar properties. This amino acid position is conserved. In addition, this alteration is predicted to be tolerated by in silico analysis. Since supporting evidence is limited at this time, the clinical significance of this alteration remains unclear.